The following is an entry in ClinVar:

NM_014244.5(ADAMTS2):c.1072G>T (p.Glu358Ter)

Gene: ADAMTS2 (ADAM metallopeptidase with thrombospondin type 1 motif 2; minus strand). Cytogenetic location: 5q35.3.
Variant type: single nucleotide variant.
Coding change: c.1072G>T on transcript NM_014244.5 (MANE Select); coding-DNA position 1072, G replaced by T.
Protein change: p.Glu358Ter; replaces glutamic acid 358 with a stop codon.
Molecular consequence: nonsense.
Genome position (GRCh38, 1-based): chr5:179,158,783, C>A on the plus strand (G>T on the coding strand, the complement: ADAMTS2 is on the minus strand). VCF-style: chr5-179158783-C-A. GRCh37 (hg19) VCF-style: chr5-178585784-C-A.
Other names: c.1072G>T, p.Glu358Ter (NM_021599.4); short protein forms E358*.
Identifiers: ClinVar variation 4729442 (VCV004729442.1).

ClinVar aggregate classification (germline): Pathogenic (1 of 4 stars; one submission).

Conditions:
Ehlers-Danlos syndrome, dermatosparaxis type. Also called: Dermatosparaxis; EDS VIIC; Ehlers-Danlos syndrome, type VII, autosomal recessive. Identifiers: Orphanet 1901, MedGen C2700425, MONDO:0009161, OMIM 225410.

Submission:

Labcorp Genetics (formerly Invitae), Labcorp
Classification: Pathogenic for Ehlers-Danlos syndrome, dermatosparaxis type. Last evaluated: 2025-10-18. Review status: criteria provided, single submitter. Criteria: Invitae Variant Classification Sherloc (09022015). Collection method: clinical testing. Allele origin: germline.
Comment: This sequence change creates a premature translational stop signal (p.Glu358*) in the ADAMTS2 gene. It is expected to result in an absent or disrupted protein product. Loss-of-function variants in ADAMTS2 are known to be pathogenic (PMID: 10417273). This variant is not present in population databases (gnomAD no frequency). This variant has not been reported in the literature in individuals affected with ADAMTS2-related conditions. For these reasons, this variant has been classified as Pathogenic.

Literature cited by the submitters: PubMed 10417273.